The following is an entry in ClinVar:

ClinVar aggregate classification (germline): Uncertain significance. Review status: criteria provided, multiple submitters, no conflicts (2 of 4 stars). 2 submissions from 2 submitters: Uncertain significance (2). Last evaluated 2023-09-13.

Conditions:
Immunodeficiency 28 (IMD28). Also called: IFNGR2 DEFICIENCY. Identifiers: Orphanet 319547, Orphanet 319574, MedGen C4013947, MONDO:0013953, OMIM 614889.
Inborn genetic diseases. Identifiers: MedGen C0950123, MeSH D030342.

Allele frequency attached by ClinVar (database versions not stated): gnomAD exomes 0.00001; TOPMed 0.00001; ExAC 0.00002; gnomAD 0.00004; 1000 Genomes Project 30x 0.00016; 1000 Genomes Project 0.00020.
gnomAD v4.1: 16 of 1,613,906 alleles (0.00099%); highest among the groups gnomAD compares: East Asian, 0.0022%; no homozygotes.

Submissions (2):

Ambry Genetics
Classification: Uncertain significance for Inborn genetic diseases. Last evaluated: 2023-09-13. Review status: criteria provided, single submitter. Criteria: Ambry Variant Classification Scheme 2023. Collection method: clinical testing. Allele origin: germline.

Labcorp Genetics (formerly Invitae), Labcorp
Classification: Uncertain significance for Immunodeficiency 28. Last evaluated: 2022-05-06. Review status: criteria provided, single submitter. Criteria: Invitae Variant Classification Sherloc (09022015). Collection method: clinical testing. Allele origin: germline.
Comment: This sequence change replaces alanine, which is neutral and non-polar, with threonine, which is neutral and polar, at codon 99 of the IFNGR2 protein (p.Ala99Thr). This variant is present in population databases (rs557769248, gnomAD 0.005%). This variant has not been reported in the literature in individuals affected with IFNGR2-related conditions. Algorithms developed to predict the effect of missense changes on protein structure and function output the following: SIFT: "Tolerated"; PolyPhen-2: "Benign"; Align-GVGD: "Class C0". The threonine amino acid residue is found in multiple mammalian species, which suggests that this missense change does not adversely affect protein function. In summary, the available evidence is currently insufficient to determine the role of this variant in disease. Therefore, it has been classified as a Variant of Uncertain Significance.

NM_005534.4(IFNGR2):c.295G>A (p.Ala99Thr)

Gene: IFNGR2 (interferon gamma receptor 2; plus strand). Cytogenetic location: 21q22.11.
Variant type: single nucleotide variant.
Coding change: c.295G>A on transcript NM_005534.4 (MANE Select); coding-DNA position 295, G replaced by A.
Protein change: p.Ala99Thr; replaces alanine 99 with threonine.
Molecular consequence: missense variant.
Genome position (GRCh38, 1-based): chr21:33,421,568, G>A. VCF-style: chr21-33421568-G-A. GRCh37 (hg19) VCF-style: chr21-34793875-G-A.
Other names: c.352G>A, p.Ala118Thr (NM_001329128.2); short protein forms A99T, A118T.
Identifiers: ClinVar variation 2060329 (VCV002060329.3), dbSNP rs557769248, ClinGen allele CA10006908.